The following is an entry in ClinVar:

ClinVar aggregate classification (germline): Pathogenic (1 of 4 stars; one submission).

Conditions:
Polyglandular autoimmune syndrome, type 1 (APS1). Also called: Autoimmune polyendocrine syndrome type 1; PGA I; Autoimmune polyendocrinopathy syndrome , type I, with or without reversible metaphyseal dysplasia; APS I; HYPOADRENOCORTICISM WITH HYPOPARATHYROIDISM AND SUPERFICIAL MONILIASIS; AUTOIMMUNE POLYENDOCRINE SYNDROME, TYPE I, WITH OR WITHOUT REVERSIBLE METAPHYSEAL DYSPLASIA. Identifiers: Orphanet 3453, MedGen C0085859, MONDO:0009411, OMIM 240300.

Submission:

Labcorp Genetics (formerly Invitae), Labcorp
Classification: Pathogenic for Polyglandular autoimmune syndrome, type 1. Last evaluated: 2022-06-14. Review status: criteria provided, single submitter. Criteria: Invitae Variant Classification Sherloc (09022015). Collection method: clinical testing. Allele origin: germline.
Comment: For these reasons, this variant has been classified as Pathogenic. Algorithms developed to predict the effect of sequence changes on RNA splicing suggest that this variant may disrupt the consensus splice site. This variant has not been reported in the literature in individuals affected with AIRE-related conditions. This variant is not present in population databases (gnomAD no frequency). This sequence change creates a premature translational stop signal (p.Gln293Argfs*85) in the AIRE gene. It is expected to result in an absent or disrupted protein product. Loss-of-function variants in AIRE are known to be pathogenic (PMID: 11524731, 26141571).

Literature cited by the submitters: PubMed 11524731; PubMed 26141571.

NM_000383.4(AIRE):c.878del (p.Gln293fs)

Gene: AIRE (autoimmune regulator; plus strand). Cytogenetic location: 21q22.3.
Variant type: Deletion.
Coding change: c.878del on transcript NM_000383.4 (MANE Select); coding-DNA position 878, one base deleted (A; older notation c.878delA).
Protein change: p.Gln293fs; shifts the reading frame from glutamine 293.
Molecular consequence: frameshift variant.
Genome position (GRCh38, 1-based): chr21:44,290,067, A deleted. VCF-style (leftmost placement, unchanged base first): chr21-44290066-CA-C. GRCh37 (hg19) VCF-style: chr21-45709949-CA-C.
Other names: short protein forms Q293fs.
Identifiers: ClinVar variation 2125849 (VCV002125849.4), dbSNP rs2517880884, ClinGen allele CA2580098806.